The following is an entry in ClinVar:

NM_018129.4(PNPO):c.400G>C (p.Glu134Gln)

Gene: PNPO (pyridoxamine 5'-phosphate oxidase; plus strand). Cytogenetic location: 17q21.32.
Variant type: single nucleotide variant.
Coding change: c.400G>C on transcript NM_018129.4 (MANE Select); coding-DNA position 400, G replaced by C.
Protein change: p.Glu134Gln; replaces glutamic acid 134 with glutamine.
Molecular consequence: missense variant.
Genome position (GRCh38, 1-based): chr17:47,945,595, G>C. VCF-style: chr17-47945595-G-C. GRCh37 (hg19) VCF-style: chr17-46022961-G-C.
Other names: short protein forms E134Q.
Identifiers: ClinVar variation 1466464 (VCV001466464.3), dbSNP rs776343192, ClinGen allele CA8629174.

ClinVar aggregate classification (germline): Uncertain significance (1 of 4 stars; one submission).

Conditions:
Pyridoxal phosphate-responsive seizures (PNPOD). Also called: Pyridoxamine 5-Prime-Phosphate Oxidase Deficiency; Pyridoxine-5'-phosphate oxidase deficiency; EPILEPTIC ENCEPHALOPATHY, NEONATAL, PNPO-RELATED; SEIZURES, PYRIDOXINE-RESISTANT, PLP-SENSITIVE; Pyridoxal 5'-Phosphate (PLP)-Dependent Epilepsy. Identifiers: Orphanet 79096, MedGen C1864723, MONDO:0012407, OMIM 610090. Disease mechanism: loss of function.

Allele frequency attached by ClinVar (database versions not stated): ExAC 0.00001; gnomAD exomes 0.00001 and 0.00002.
gnomAD v4.1: 3 of 1,613,426 alleles (0.00019%); highest among the groups gnomAD compares: Admixed American, 0.005%; no homozygotes.

Submission:

Labcorp Genetics (formerly Invitae), Labcorp
Classification: Uncertain significance for Pyridoxal phosphate-responsive seizures. Last evaluated: 2022-08-31. Review status: criteria provided, single submitter. Criteria: Invitae Variant Classification Sherloc (09022015). Collection method: clinical testing. Allele origin: germline.
Comment: This sequence change replaces glutamic acid, which is acidic and polar, with glutamine, which is neutral and polar, at codon 134 of the PNPO protein (p.Glu134Gln). This variant is present in population databases (rs776343192, gnomAD 0.01%). This variant has not been reported in the literature in individuals affected with PNPO-related conditions. ClinVar contains an entry for this variant (Variation ID: 1466464). Algorithms developed to predict the effect of missense changes on protein structure and function are either unavailable or do not agree on the potential impact of this missense change (SIFT: "Tolerated"; PolyPhen-2: "Possibly Damaging"; Align-GVGD: "Class C0"). Algorithms developed to predict the effect of sequence changes on RNA splicing suggest that this variant may create or strengthen a splice site. In summary, the available evidence is currently insufficient to determine the role of this variant in disease. Therefore, it has been classified as a Variant of Uncertain Significance.